The following is an entry in ClinVar:

ClinVar aggregate classification (germline): Uncertain significance (1 of 4 stars; one submission).

Conditions:
Hereditary cancer-predisposing syndrome. Also called: Tumor predisposition; Neoplastic Syndromes, Hereditary; Hereditary Cancer Syndrome; Hereditary neoplastic syndrome. Identifiers: Orphanet 140162, MedGen C0027672, MeSH D009386, MONDO:0015356.

Submission:

Ambry Genetics
Classification: Uncertain significance for Hereditary cancer-predisposing syndrome. Last evaluated: 2024-11-05. Review status: criteria provided, single submitter. Criteria: Ambry Variant Classification Scheme 2023. Collection method: clinical testing. Allele origin: germline.
Comment: The p.W169R variant (also known as c.505T>C), located in coding exon 3 of the FLCN gene, results from a T to C substitution at nucleotide position 505. The tryptophan at codon 169 is replaced by arginine, an amino acid with dissimilar properties. This amino acid position is conserved. In addition, this alteration is predicted to be deleterious by in silico analysis. Based on the available evidence, the clinical significance of this variant remains unclear.

NM_144997.7(FLCN):c.505T>C (p.Trp169Arg)

Gene: FLCN (folliculin; minus strand). Cytogenetic location: 17p11.2.
Variant type: single nucleotide variant.
Coding change: c.505T>C on transcript NM_144997.7 (MANE Select); coding-DNA position 505, T replaced by C.
Protein change: p.Trp169Arg; replaces tryptophan 169 with arginine.
Molecular consequence: missense variant.
Genome position (GRCh38, 1-based): chr17:17,224,035, A>G on the plus strand (T>C on the coding strand, the complement: FLCN is on the minus strand). VCF-style: chr17-17224035-A-G. GRCh37 (hg19) VCF-style: chr17-17127349-A-G.
Other names: c.559T>C, p.Trp187Arg (NM_001353229.2); c.505T>C, p.Trp169Arg (NM_001353230.2, NM_001353231.2, NM_144606.7); short protein forms W187R, W169R.
Identifiers: ClinVar variation 3515666 (VCV003515666.1).